The following is an entry in ClinVar:

ClinVar aggregate classification (germline): Pathogenic. Review status: criteria provided, multiple submitters, no conflicts (2 of 4 stars). 8 submissions from 8 submitters: Pathogenic (4). 4 of the submissions do not count toward it. Last evaluated 2024-04-18.

Conditions:
METHYLMALONIC ACIDURIA, mut(0) TYPE. Identifiers: MedGen C1855115, OMIM 251000.
MMUT-related disorder. Also called: MMUT-related condition.
Methylmalonic aciduria due to complete methylmalonyl-CoA mutase deficiency.
Methylmalonic acidemia (MMA). Also called: Isolated Methylmalonic Acidemia. Identifiers: MedGen C0268583, MeSH C537358, MONDO:0002012, HP:0002912.
Methylmalonic aciduria due to methylmalonyl-CoA mutase deficiency (MAMM). Also called: Methylmalonic aciduria, mut type. Identifiers: Orphanet 27, MedGen C1855114, MONDO:0009612, OMIM 251000.

Allele frequency attached by ClinVar (database versions not stated): ExAC 0.00001; gnomAD exomes 0.00001; gnomAD 0.00003; TOPMed 0.00004.
gnomAD v4.1: 11 of 1,613,898 alleles (0.00068%); highest among the groups gnomAD compares: African/African-American, 0.013%; no homozygotes.

Submissions (8):

Natera, Inc.
Classification: Pathogenic for Methylmalonic aciduria due to complete methylmalonyl-CoA mutase deficiency. Last evaluated: 2024-04-18. Review status: criteria provided, single submitter. Criteria: Natera Variant Classification Schema (03/2026). Collection method: clinical testing. Allele origin: germline.
Comment: The c.1867G>A variant in MMUT is a missense variant predicted to cause substitution of glycine to arginine at amino acid 623. This variant is rare in the general population with a frequency below the threshold expected for the associated phenotype(s). This variant has been observed in one or more individuals affected with the associated recessive disease, as either homozygous or compound heterozygous with a second variant (PMID: 16281286). Computational prediction algorithms indicate this variant is likely to affect gene or protein function. Given the available evidence, this variant is classified as Pathogenic.

Labcorp Genetics (formerly Invitae), Labcorp
Classification: Pathogenic. Last evaluated: 2024-02-09. Review status: criteria provided, single submitter. Criteria: Invitae Variant Classification Sherloc (09022015). Collection method: clinical testing. Allele origin: germline.
Comment: This sequence change replaces glycine, which is neutral and non-polar, with arginine, which is basic and polar, at codon 623 of the MUT protein (p.Gly623Arg). This variant is present in population databases (rs121918254, gnomAD 0.008%). This missense change has been observed in individuals with methylmalonic aciduria (PMID: 7909321, 15643616, 16281286, 19375370). ClinVar contains an entry for this variant (Variation ID: 1884). Advanced modeling of protein sequence and biophysical properties (such as structural, functional, and spatial information, amino acid conservation, physicochemical variation, residue mobility, and thermodynamic stability) performed at Invitae indicates that this missense variant is expected to disrupt MUT protein function with a positive predictive value of 95%. Experimental studies have shown that this missense change affects MUT function (PMID: 7909321). For these reasons, this variant has been classified as Pathogenic.

Women's Health and Genetics/Laboratory Corporation of America, LabCorp
Classification: Pathogenic for Methylmalonic acidemia. Last evaluated: 2022-06-13. Review status: criteria provided, single submitter. Criteria: LabCorp Variant Classification Summary - May 2015. Collection method: clinical testing. Allele origin: germline.
Comment: Variant summary: MUT c.1867G>A (p.Gly623Arg) results in a non-conservative amino acid change located in the Cobalamin (vitamin B12)-binding domain (IPR006158) of the encoded protein sequence. Five of five in-silico tools predict a damaging effect of the variant on protein function. The variant allele was found at a frequency of 8e-06 in 251316 control chromosomes. c.1867G>A has been reported in the literature in multiple individuals affected with Methylmalonic Acidemia supported by characteristic biochemical findings (example, Acquaiva_2005, Worgan_2006, Brassier_2020). These data indicate that the variant is very likely to be associated with disease. Five clinical diagnostic laboratories have submitted clinical-significance assessments for this variant to ClinVar after 2014 without evidence for independent evaluation. All laboratories classified the variant as pathogenic/likely pathogenic. Based on the evidence outlined above, the variant was classified as pathogenic.

GeneDx
Classification: Pathogenic. Last evaluated: 2019-11-20. Review status: criteria provided, single submitter. Criteria: GeneDx Variant Classification Process June 2021. Collection method: clinical testing. Allele origin: germline. Affected: yes.
Comment: Reported to be a common variant in individuals of African descent and functional analysis of G623R found that it is associated with significantly reduced enzyme activity compared to wild-type (Worgan et al., 2006; Janata et al., 1997).; In silico analysis, which includes protein predictors and evolutionary conservation, supports a deleterious effect; Not observed at a significant frequency in large population cohorts (Lek et al., 2016); The majority of missense variants in this gene are considered pathogenic (Stenson et al., 2014); This variant is associated with the following publications: (PMID: 15643616, 7909321, 19375370, 17113806, 31525265, 25087612, 9285782, 8990001, 16281286)

PreventionGenetics, part of Exact Sciences
Classification: Pathogenic for MMUT-related condition. Last evaluated: 2024-08-14. Review status: no assertion criteria provided. Collection method: clinical testing. Allele origin: germline. Not counted in ClinVar's aggregate classification.
Comment: The MMUT c.1867G>A variant is predicted to result in the amino acid substitution p.Gly623Arg. This variant has been reported in the homozygous state or heterozygous state with a second MMUT variant in multiple individuals with methylmalonic acidemia (see for example, Qureshi et al. 1994. PubMed ID: 7909321; Worgan et al. 2006. PubMed ID: 16281286; Brassier et al. 2020. PubMed ID: 31525265). In homozygous patients, this variant was associated with a mut0 phenotype (Worgan et al. 2006. PubMed ID: 16281286). This variant is reported in 0.012% of alleles in individuals of African descent in gnomAD. An in vitro experimental study suggests this variant reduces enzyme activity to 3% of wildtype (Janata et al. 1997. PubMed ID: 9285782). This variant is interpreted as pathogenic.

Counsyl
Classification: Likely pathogenic for Methylmalonic aciduria due to methylmalonyl-CoA mutase deficiency. Last evaluated: 2017-03-17. Review status: no assertion criteria provided. Collection method: clinical testing. Allele origin: unknown. Not counted in ClinVar's aggregate classification.

OMIM
Classification: Pathogenic for METHYLMALONIC ACIDURIA, mut(0) TYPE. Last evaluated: 1994-04-01. Review status: no assertion criteria provided. Collection method: literature only. Allele origin: germline. Not counted in ClinVar's aggregate classification.

GeneReviews
No classification provided. Condition: Methylmalonic aciduria due to methylmalonyl-CoA mutase deficiency. Review status: no classification provided. Collection method: literature only. Allele origin: germline. Affected: yes. Not counted in ClinVar's aggregate classification.
Comment: mut0 enzymatic subtype

Literature cited by the submitters: PubMed 16281286 (cited by 4 submitters); PubMed 7909321 (cited by Labcorp Genetics (formerly Invitae), Labcorp and OMIM); PubMed 15643616 (cited by 3 submitters); PubMed 19375370 (cited by Labcorp Genetics (formerly Invitae), Labcorp); PubMed 31525265 (cited by Women's Health and Genetics/Laboratory Corporation of America, LabCorp); PubMed 9285782 (cited by Counsyl); PubMed 8880917 (cited by Counsyl); NCBI Bookshelf NBK1231 (cited by GeneReviews).

NM_000255.4(MMUT):c.1867G>A (p.Gly623Arg)

Gene: MMUT (methylmalonyl-CoA mutase; minus strand). Cytogenetic location: 6p12.3.
Variant type: single nucleotide variant.
Coding change: c.1867G>A on transcript NM_000255.4 (MANE Select); coding-DNA position 1867, G replaced by A.
Protein change: p.Gly623Arg; replaces glycine 623 with arginine.
Molecular consequence: missense variant.
Genome position (GRCh38, 1-based): chr6:49,440,295, C>T on the plus strand (G>A on the coding strand, the complement: MMUT is on the minus strand). VCF-style: chr6-49440295-C-T. GRCh37 (hg19) VCF-style: chr6-49408008-C-T.
Other names: short protein forms G623R.
Identifiers: ClinVar variation 1884 (VCV000001884.17), dbSNP rs121918254, ClinGen allele CA249730.